The following is an entry in ClinVar:

NM_018263.6(ASXL2):c.2294C>T (p.Pro765Leu)

Gene: ASXL2 (ASXL transcriptional regulator 2; minus strand). Cytogenetic location: 2p23.3.
Variant type: single nucleotide variant.
Coding change: c.2294C>T on transcript NM_018263.6 (MANE Select); coding-DNA position 2294, C replaced by T.
Protein change: p.Pro765Leu; replaces proline 765 with leucine.
Molecular consequence: missense variant.
Genome position (GRCh38, 1-based): chr2:25,744,043, G>A on the plus strand (C>T on the coding strand, the complement: ASXL2 is on the minus strand). VCF-style: chr2-25744043-G-A. GRCh37 (hg19) VCF-style: chr2-25966912-G-A.
Other names: c.2294C>T (NM_018263.4); c.2120C>T, p.Pro707Leu (NM_001369346.1); c.1514C>T, p.Pro505Leu (NM_001369347.1); short protein forms P765L, P707L, P505L.
Identifiers: ClinVar variation 2899693 (VCV002899693.4), dbSNP rs753358728, ClinGen allele CA1557665.

ClinVar aggregate classification (germline): Conflicting classifications of pathogenicity. Review status: criteria provided, conflicting classifications (1 of 4 stars). 2 submissions from 2 submitters: Uncertain significance (1); Likely benign (1). Last evaluated 2024-03-01.

Conditions:
Inborn genetic diseases. Identifiers: MedGen C0950123, MeSH D030342.

Allele frequency attached by ClinVar (database versions not stated): gnomAD exomes 0.00001; gnomAD 0.00002; ExAC 0.00003; TOPMed 0.00003.

Submissions (2):

Ambry Genetics
Classification: Likely benign for Inborn genetic diseases. Last evaluated: 2024-03-01. Review status: criteria provided, single submitter. Criteria: Ambry Variant Classification Scheme 2023. Collection method: clinical testing. Allele origin: germline.

Labcorp Genetics (formerly Invitae), Labcorp
Classification: Uncertain significance. Last evaluated: 2023-09-15. Review status: criteria provided, single submitter. Criteria: Invitae Variant Classification Sherloc (09022015). Collection method: clinical testing. Allele origin: germline.
Comment: This sequence change replaces proline, which is neutral and non-polar, with leucine, which is neutral and non-polar, at codon 765 of the ASXL2 protein (p.Pro765Leu). In summary, the available evidence is currently insufficient to determine the role of this variant in disease. Therefore, it has been classified as a Variant of Uncertain Significance. Advanced modeling of protein sequence and biophysical properties (such as structural, functional, and spatial information, amino acid conservation, physicochemical variation, residue mobility, and thermodynamic stability) performed at Invitae indicates that this missense variant is not expected to disrupt ASXL2 protein function. This variant has not been reported in the literature in individuals affected with ASXL2-related conditions. This variant is present in population databases (rs753358728, gnomAD 0.009%).